The following is an entry in ClinVar:

ClinVar aggregate classification (germline): Conflicting classifications of pathogenicity. Review status: criteria provided, conflicting classifications (1 of 4 stars). 3 submissions from 3 submitters: Uncertain significance (1); Likely benign (1). 1 of the submissions does not count toward it. Last evaluated 2025-10-02.

Conditions:
Inborn genetic diseases. Identifiers: MedGen C0950123, MeSH D030342.
EXPH5-related disorder. Also called: EXPH5-related condition.

Allele frequency attached by ClinVar (database versions not stated): gnomAD exomes 0.00059; ExAC 0.00104; gnomAD 0.00141; 1000 Genomes Project 30x 0.00156; 1000 Genomes Project 0.00160; ESP Exome Variant Server 0.00162; TOPMed 0.00181.
gnomAD v4.1: 1,107 of 1,613,788 alleles (0.069%); highest among the groups gnomAD compares: Admixed American, 0.36%; 2 homozygotes.

Submissions (3):

Labcorp Genetics (formerly Invitae), Labcorp
Classification: Likely benign. Last evaluated: 2025-10-02. Review status: criteria provided, single submitter. Criteria: Invitae Variant Classification Sherloc (09022015). Collection method: clinical testing. Allele origin: germline.

Ambry Genetics
Classification: Uncertain significance for Inborn genetic diseases. Last evaluated: 2024-05-10. Review status: criteria provided, single submitter. Criteria: Ambry Variant Classification Scheme 2023. Collection method: clinical testing. Allele origin: germline.

PreventionGenetics, part of Exact Sciences
Classification: Likely benign for EXPH5-related condition. Last evaluated: 2024-01-02. Review status: no assertion criteria provided. Collection method: clinical testing. Allele origin: germline. Not counted in ClinVar's aggregate classification.
Comment: This variant is classified as likely benign based on ACMG/AMP sequence variant interpretation guidelines (Richards et al. 2015 PMID: 25741868, with internal and published modifications).

NM_015065.3(EXPH5):c.3400A>G (p.Thr1134Ala)

Gene: EXPH5 (exophilin 5; minus strand). Cytogenetic location: 11q22.3.
Variant type: single nucleotide variant.
Coding change: c.3400A>G on transcript NM_015065.3 (MANE Select); coding-DNA position 3400, A replaced by G.
Protein change: p.Thr1134Ala; replaces threonine 1134 with alanine.
Molecular consequence: missense variant.
Genome position (GRCh38, 1-based): chr11:108,512,107, T>C on the plus strand (A>G on the coding strand, the complement: EXPH5 is on the minus strand). VCF-style: chr11-108512107-T-C. GRCh37 (hg19) VCF-style: chr11-108382834-T-C.
Other names: c.3400A>G (NM_015065.2); c.3172A>G, p.Thr1058Ala (NM_001144763.2); c.2932A>G, p.Thr978Ala (NM_001144764.2); c.2836A>G, p.Thr946Ala (NM_001144765.2); c.3379A>G, p.Thr1127Ala (NM_001308019.2); short protein forms T978A, T1127A, T1134A, T1058A, T946A.
Identifiers: ClinVar variation 2715257 (VCV002715257.6), dbSNP rs141078173, ClinGen allele CA6267703.
Genomic context (GRCh38, chr11:108,512,107, plus strand): 5'-GTGTTAGCTCAGAAGCATCCATGCCTGAGGTCAATGGCTTTTTTCTTCCTTCTCTTCCAG[T>C]TGAGGCATGTGGCTCCCCTGAGGGACATGACATAGCCCTGTTGATGAGGAATGGAAGTGG-3'
Protein context (NP_055880.2, residues 1124-1144): SCPSGEPHAS[Thr1134Ala]GREGRKKPLT